The following is an entry in ClinVar:

NM_001098511.3(KIF2A):c.1153A>G (p.Arg385Gly)

Gene: KIF2A (kinesin family member 2A; plus strand). Cytogenetic location: 5q12.1.
Variant type: single nucleotide variant.
Coding change: c.1153A>G on transcript NM_001098511.3 (MANE Select); coding-DNA position 1153, A replaced by G.
Protein change: p.Arg385Gly; replaces arginine 385 with glycine.
Molecular consequence: missense variant.
Genome position (GRCh38, 1-based): chr5:62,363,211, A>G. VCF-style: chr5-62363211-A-G. GRCh37 (hg19) VCF-style: chr5-61659038-A-G.
Other names: c.1072A>G, p.Arg358Gly (NM_001243952.2); c.1096A>G, p.Arg366Gly (NM_001243953.2); c.1153A>G, p.Arg385Gly (NM_004520.5); short protein forms R358G, R366G, R385G.
Identifiers: ClinVar variation 3343006 (VCV003343006.1).

ClinVar aggregate classification (germline): Uncertain significance (1 of 4 stars; one submission).

Submission:

GeneDx
Classification: Uncertain significance. Last evaluated: 2023-04-14. Review status: criteria provided, single submitter. Criteria: GeneDx Variant Classification Process June 2021. Collection method: clinical testing. Allele origin: germline. Affected: yes.
Comment: Not observed at significant frequency in large population cohorts (gnomAD); In silico analysis supports that this missense variant has a deleterious effect on protein structure/function; Has not been previously published as pathogenic or benign to our knowledge.